The following is an entry in ClinVar:

ClinVar aggregate classification (germline): Uncertain significance (1 of 4 stars; one submission).

Conditions:
Inborn genetic diseases. Identifiers: MedGen C0950123, MeSH D030342.

Submission:

Ambry Genetics
Classification: Uncertain significance for Inborn genetic diseases. Last evaluated: 2026-04-11. Review status: criteria provided, single submitter. Criteria: Ambry Variant Classification Scheme 2023. Collection method: clinical testing. Allele origin: germline.
Comment: The p.S858P variant (also known as c.2572T>C), located in coding exon 14 of the FANCM gene, results from a T to C substitution at nucleotide position 2572. The serine at codon 858 is replaced by proline, an amino acid with similar properties. This amino acid position is conserved. In addition, this alteration is predicted to be tolerated by in silico analysis. Based on the available evidence, the clinical significance of this variant remains unclear.

NM_020937.4(FANCM):c.2572T>C (p.Ser858Pro)

Gene: FANCM (FA complementation group M; plus strand). Cytogenetic location: 14q21.2.
Variant type: single nucleotide variant.
Coding change: c.2572T>C on transcript NM_020937.4 (MANE Select); coding-DNA position 2572, T replaced by C.
Protein change: p.Ser858Pro; replaces serine 858 with proline.
Molecular consequence: missense variant.
Genome position (GRCh38, 1-based): chr14:45,175,326, T>C. VCF-style: chr14-45175326-T-C. GRCh37 (hg19) VCF-style: chr14-45644529-T-C.
Other names: c.2494T>C, p.Ser832Pro (NM_001308133.2); short protein forms S832P, S858P.
Identifiers: ClinVar variation 4871073 (VCV004871073.1).